The following is an entry in ClinVar:

NM_006531.5(IFT88):c.740G>T (p.Arg247Ile)

Gene: IFT88 (intraflagellar transport 88; plus strand). Cytogenetic location: 13q12.11.
Variant type: single nucleotide variant.
Coding change: c.740G>T on transcript NM_006531.5 (MANE Select); coding-DNA position 740, G replaced by T.
Protein change: p.Arg247Ile; replaces arginine 247 with isoleucine.
Molecular consequence: missense variant. On other transcripts: non-coding transcript variant (5).
Genome position (GRCh38, 1-based): chr13:20,599,493, G>T. VCF-style: chr13-20599493-G-T. GRCh37 (hg19) VCF-style: chr13-21173632-G-T.
Other names: c.683G>T, p.Arg228Ile (NM_001318491.2, NM_001353573.2, NM_001353574.2 and 1 more transcripts); c.767G>T, p.Arg256Ile (NM_001318493.2, NM_001353565.2, NM_001353566.2 and 6 more transcripts); c.740G>T, p.Arg247Ile (NM_001353568.2, NM_001353571.2, NM_001353572.2 and 1 more transcripts); c.107G>T, p.Arg36Ile (NM_001353579.2); short protein forms R256I, R36I, R247I, R228I.
Identifiers: ClinVar variation 1973858 (VCV001973858.5), dbSNP rs1474573713, ClinGen allele CA387473697.

ClinVar aggregate classification (germline): Uncertain significance (1 of 4 stars; one submission).

Allele frequency attached by ClinVar (database versions not stated): gnomAD exomes below 0.00001; gnomAD 0.00001.
gnomAD v4.1: 5 of 1,545,574 alleles (0.00032%); highest among the groups gnomAD compares: Admixed American, 0.0018%; no homozygotes.

Submission:

Labcorp Genetics (formerly Invitae), Labcorp
Classification: Uncertain significance. Last evaluated: 2022-09-10. Review status: criteria provided, single submitter. Criteria: Invitae Variant Classification Sherloc (09022015). Collection method: clinical testing. Allele origin: germline.
Comment: This variant is present in population databases (no rsID available, gnomAD 0.01%). This sequence change replaces arginine, which is basic and polar, with isoleucine, which is neutral and non-polar, at codon 256 of the IFT88 protein (p.Arg256Ile). This variant has not been reported in the literature in individuals affected with IFT88-related conditions. Algorithms developed to predict the effect of missense changes on protein structure and function are either unavailable or do not agree on the potential impact of this missense change (SIFT: "Not Available"; PolyPhen-2: "Possibly Damaging"; Align-GVGD: "Not Available"). In summary, the available evidence is currently insufficient to determine the role of this variant in disease. Therefore, it has been classified as a Variant of Uncertain Significance.